The following is an entry in ClinVar:

NM_014956.5(CEP164):c.1009A>G (p.Ser337Gly)

Gene: CEP164 (centrosomal protein 164; plus strand). Cytogenetic location: 11q23.3.
Variant type: single nucleotide variant.
Coding change: c.1009A>G on transcript NM_014956.5 (MANE Select); coding-DNA position 1009, A replaced by G.
Protein change: p.Ser337Gly; replaces serine 337 with glycine.
Molecular consequence: missense variant.
Genome position (GRCh38, 1-based): chr11:117,371,323, A>G. VCF-style: chr11-117371323-A-G. GRCh37 (hg19) VCF-style: chr11-117242039-A-G.
Other names: c.1009A>G, p.Ser337Gly (NM_001271933.2); c.1009A>G (NM_014956.4); short protein forms S337G.
Identifiers: ClinVar variation 1407619 (VCV001407619.7), dbSNP rs151204404, ClinGen allele CA6294626.

ClinVar aggregate classification (germline): Uncertain significance. Review status: criteria provided, multiple submitters, no conflicts (2 of 4 stars). 2 submissions from 2 submitters: Uncertain significance (2). Last evaluated 2026-08-17.

Conditions:
CEP164-related disorder. Also called: CEP164-related condition.
Nephronophthisis 15 (NPHP15). Identifiers: Orphanet 3156, MedGen C3541853, MONDO:0013917, OMIM 614845.

Allele frequency attached by ClinVar (database versions not stated): gnomAD exomes below 0.00001 and 0.00003; ExAC 0.00002; gnomAD 0.00008; TOPMed 0.00009; ESP Exome Variant Server 0.00015.
gnomAD v4.1: 19 of 1,614,244 alleles (0.0012%); highest among the groups gnomAD compares: African/African-American, 0.021%; no homozygotes.

Submissions (2):

PreventionGenetics, part of Exact Sciences
Classification: Uncertain significance for CEP164-related condition. Last evaluated: 2026-08-17. Review status: criteria provided, single submitter. Criteria: ACMG Guidelines, 2015. Collection method: clinical testing. Allele origin: germline.
Comment: The CEP164 c.1009A>G variant is predicted to result in the amino acid substitution p.Ser337Gly. To our knowledge, this variant has not been reported in the literature. This variant is reported in 0.031% of alleles in individuals of African descent in gnomAD. At this time, the clinical significance of this variant is uncertain due to the absence of conclusive functional and genetic evidence.

Labcorp Genetics (formerly Invitae), Labcorp
Classification: Uncertain significance for Nephronophthisis 15. Last evaluated: 2025-04-17. Review status: criteria provided, single submitter. Criteria: Invitae Variant Classification Sherloc (09022015). Collection method: clinical testing. Allele origin: germline.
Comment: This sequence change replaces serine, which is neutral and polar, with glycine, which is neutral and non-polar, at codon 337 of the CEP164 protein (p.Ser337Gly). This variant is present in population databases (rs151204404, gnomAD 0.03%). This variant has not been reported in the literature in individuals affected with CEP164-related conditions. ClinVar contains an entry for this variant (Variation ID: 1407619). An algorithm developed to predict the effect of missense changes on protein structure and function outputs the following: PolyPhen-2: "Benign". The glycine amino acid residue is found in multiple mammalian species, which suggests that this missense change does not adversely affect protein function. In summary, the available evidence is currently insufficient to determine the role of this variant in disease. Therefore, it has been classified as a Variant of Uncertain Significance.